The following is an entry in ClinVar:

ClinVar aggregate classification (germline): Conflicting classifications of pathogenicity. Review status: criteria provided, conflicting classifications (1 of 4 stars). 8 submissions from 8 submitters: Uncertain significance (7); Likely benign (1). Last evaluated 2026-04-03.

Conditions:
Fanconi anemia complementation group D1. Also called: BRCA2-Related Fanconi Anemia. Identifiers: Orphanet 319462, MedGen C1838457, MONDO:0011584, OMIM 605724.
Hereditary breast ovarian cancer syndrome. Also called: BRCA1- and BRCA2-Associated Hereditary Breast and Ovarian Cancer; Hereditary breast and ovarian cancer syndrome (HBOC); Hereditary breast and ovarian cancer syndrome; Hereditary breast and ovarian cancer; Hereditary breast and/or ovarian cancer syndrome; Breast and ovarian cancer. Identifiers: Orphanet 145, MedGen C0677776, MeSH D061325, MONDO:0003582. Disease mechanism: loss of function.
Hereditary cancer-predisposing syndrome. Also called: Neoplastic Syndromes, Hereditary; Hereditary Cancer Syndrome; Tumor predisposition; Hereditary neoplastic syndrome. Identifiers: Orphanet 140162, MedGen C0027672, MeSH D009386, MONDO:0015356.
Breast-ovarian cancer, familial, susceptibility to, 2 (BROVCA2). Also called: BRCA2 Hereditary Breast and Ovarian Cancer. Identifiers: Orphanet 145, MedGen C2675520, MONDO:0012933, OMIM 612555. Disease mechanism: loss of function.
Familial cancer of breast. Also called: Hereditary breast cancer; hereditary breast carcinoma; BREAST CANCER, FAMILIAL. Identifiers: Orphanet 227535, MedGen C0346153, MONDO:0016419, OMIM 114480. Disease mechanism: loss of function.

gnomAD v4.1: 7 of 1,609,498 alleles (0.00043%); highest among the groups gnomAD compares: Non-Finnish European, 0.00059%; no homozygotes.

Submissions (8):

Women's Health and Genetics/Laboratory Corporation of America, LabCorp
Classification: Uncertain significance. Last evaluated: 2026-04-03. Review status: criteria provided, single submitter. Criteria: LabCorp Variant Classification Summary - May 2015. Collection method: clinical testing. Allele origin: germline.
Comment: Variant summary: BRCA2 c.6347A>T (p.His2116Leu) results in a non-conservative amino acid change in the encoded protein sequence. Algorithms developed to predict the effect of missense changes on protein structure and function are either unavailable or do not agree on the potential impact of this missense change. The variant was absent in 245524 control chromosomes. The available data on variant occurrences in the general population are insufficient to allow any conclusion about variant significance. To our knowledge, no occurrence of c.6347A>T in individuals affected with BRCA2-related conditions and no experimental evidence demonstrating its impact on protein function have been reported. ClinVar contains an entry for this variant (Variation ID: 232197). Based on the evidence outlined above, the variant was classified as uncertain significance.

Labcorp Genetics (formerly Invitae), Labcorp
Classification: Uncertain significance for Hereditary breast ovarian cancer syndrome. Last evaluated: 2025-09-27. Review status: criteria provided, single submitter. Criteria: Invitae Variant Classification Sherloc (09022015). Collection method: clinical testing. Allele origin: germline.
Comment: This sequence change replaces histidine, which is basic and polar, with leucine, which is neutral and non-polar, at codon 2116 of the BRCA2 protein (p.His2116Leu). This variant is not present in population databases (gnomAD no frequency). This missense change has been observed in individual(s) with clinical features of BRCA2-related conditions (PMID: 21520333). ClinVar contains an entry for this variant (Variation ID: 232197). Invitae Evidence Modeling of protein sequence and biophysical properties (such as structural, functional, and spatial information, amino acid conservation, physicochemical variation, residue mobility, and thermodynamic stability) indicates that this missense variant is not expected to disrupt BRCA2 protein function with a negative predictive value of 95%. In summary, the available evidence is currently insufficient to determine the role of this variant in disease. Therefore, it has been classified as a Variant of Uncertain Significance.

Ambry Genetics
Classification: Uncertain significance for Hereditary cancer-predisposing syndrome. Last evaluated: 2024-08-31. Review status: criteria provided, single submitter. Criteria: Ambry Variant Classification Scheme 2023. Collection method: clinical testing. Allele origin: germline.
Comment: The p.H2116L variant (also known as c.6347A>T), located in coding exon 10 of the BRCA2 gene, results from an A to T substitution at nucleotide position 6347. The histidine at codon 2116 is replaced by leucine, an amino acid with similar properties. This amino acid position is not well conserved in available vertebrate species. In addition, this alteration is predicted to be tolerated by in silico analysis. Since supporting evidence is limited at this time, the clinical significance of this alteration remains unclear.

CeGaT Center for Human Genetics Tuebingen
Classification: Uncertain significance. Last evaluated: 2023-10-01. Review status: criteria provided, single submitter. Criteria: CeGaT Center For Human Genetics Tuebingen Variant Classification Criteria Version 2. Collection method: clinical testing. Allele origin: germline. Affected: yes. Observed: 2 variant alleles.
Comment: BRCA2: PM2, BP1, BP4

All of Us Research Program, National Institutes of Health
Classification: Uncertain significance for Breast-ovarian cancer, familial, susceptibility to, 2. Last evaluated: 2023-06-28. Review status: criteria provided, single submitter. Criteria: ACMG Guidelines, 2015. Collection method: clinical testing. Allele origin: germline. Inheritance: Autosomal dominant inheritance. Observed: 2 variant alleles, 2 heterozygotes.
Comment: This missense variant replaces histidine with leucine at codon 2116 of the BRCA2 protein. Computational prediction suggests that this variant may not impact protein structure and function (internally defined REVEL score threshold <= 0.5, PMID: 27666373). To our knowledge, functional studies have not been reported for this variant. This variant has been reported in an individual affected with breast cancer in the Leiden Open-source Variation Database. This variant has not been identified in the general population by the Genome Aggregation Database (gnomAD). The available evidence is insufficient to determine the role of this variant in disease conclusively. Therefore, this variant is classified as a Variant of Uncertain Significance.

This study involves interpretation of variants in research participants for the purpose of population health screening. Participant phenotype was not available at the time of variant classification. Additional details can be found in publication PMID: 35346344, PMCID: PMC8962531

University of Washington Department of Laboratory Medicine, University of Washington
Classification: Likely benign for Hereditary cancer-predisposing syndrome. Last evaluated: 2023-03-23. Review status: criteria provided, single submitter. Criteria: Dines et al. (Genet Med. 2020). Collection method: curation. Allele origin: germline.
Comment: Missense variant in a coldspot region where missense variants are very unlikely to be pathogenic (PMID:31911673).

BRCA2 exon 11 coldspot. Reclassification based on statistical prior probability.

Color Diagnostics, LLC DBA Color Health
Classification: Uncertain significance for Hereditary cancer-predisposing syndrome. Last evaluated: 2022-09-19. Review status: criteria provided, single submitter. Criteria: ACMG Guidelines, 2015. Collection method: clinical testing. Allele origin: germline.
Comment: This missense variant replaces histidine with leucine at codon 2116 of the BRCA2 protein. Computational prediction suggests that this variant may not impact protein structure and function (internally defined REVEL score threshold <= 0.5, PMID: 27666373). To our knowledge, functional studies have not been reported for this variant. This variant has been reported in an individual affected with breast cancer in the Leiden Open-source Variation Database. This variant has not been identified in the general population by the Genome Aggregation Database (gnomAD). The available evidence is insufficient to determine the role of this variant in disease conclusively. Therefore, this variant is classified as a Variant of Uncertain Significance.

Department of Pathology and Laboratory Medicine, Sinai Health System
Classification: Uncertain significance for Familial cancer of breast; Breast-ovarian cancer, familial, susceptibility to, 2. Last evaluated: 2022-06-13. Review status: criteria provided, single submitter. Criteria: ACMG Guidelines, 2015. Collection method: clinical testing. Allele origin: germline. Affected: yes.

Literature cited by the submitters: PubMed 21520333 (cited by Labcorp Genetics (formerly Invitae), Labcorp).

NM_000059.4(BRCA2):c.6347A>T (p.His2116Leu)

Gene: BRCA2 (BRCA2 DNA repair associated; plus strand). Cytogenetic location: 13q13.1.
Variant type: single nucleotide variant.
Coding change: c.6347A>T on transcript NM_000059.4 (MANE Select); coding-DNA position 6347, A replaced by T.
Protein change: p.His2116Leu; replaces histidine 2116 with leucine.
Molecular consequence: missense variant.
Genome position (GRCh38, 1-based): chr13:32,340,702, A>T. VCF-style: chr13-32340702-A-T. GRCh37 (hg19) VCF-style: chr13-32914839-A-T.
Other names: short protein forms H2116L.
Identifiers: ClinVar variation 232197 (VCV000232197.62), dbSNP rs55953736, ClinGen allele CA10579690.